The following is an entry in ClinVar:

NM_001304359.2(MUC5AC):c.15020A>G (p.Asn5007Ser)

Gene: MUC5AC (mucin 5AC, oligomeric mucus/gel-forming; plus strand). Cytogenetic location: 11p15.5.
Variant type: single nucleotide variant.
Coding change: c.15020A>G on transcript NM_001304359.2 (MANE Select); coding-DNA position 15020, A replaced by G.
Protein change: p.Asn5007Ser; replaces asparagine 5007 with serine.
Molecular consequence: missense variant.
Genome position (GRCh38, 1-based): chr11:1,194,500, A>G. VCF-style: chr11-1194500-A-G. GRCh37 (hg19) VCF-style: chr11-1215726-A-G.
Other names: short protein forms N5007S.
Identifiers: ClinVar variation 2641177 (VCV002641177.24), dbSNP rs78483847, ClinGen allele CA5802985.

ClinVar aggregate classification (germline): Likely benign (1 of 4 stars; one submission).

Allele frequency attached by ClinVar (database versions not stated): 1000 Genomes Project 0.00120; ExAC 0.00845; gnomAD exomes 0.00856; 1000 Genomes Project 30x 0.00172; TOPMed 0.00444; ESP Exome Variant Server 0.00508; gnomAD 0.00709.
gnomAD v4.1: 6,193 of 759,514 alleles (0.82%); highest among the groups gnomAD compares: Non-Finnish European, 1.1%; 57 homozygotes.

Submission:

CeGaT Center for Human Genetics Tuebingen
Classification: Likely benign. Last evaluated: 2023-01-01. Review status: criteria provided, single submitter. Criteria: CeGaT Center For Human Genetics Tuebingen Variant Classification Criteria Version 2. Collection method: clinical testing. Allele origin: germline. Affected: yes. Observed: 1 variant allele.
Comment: MUC5AC: BS2